The following is an entry in ClinVar:

ClinVar aggregate classification (germline): Pathogenic/Likely pathogenic. Review status: criteria provided, multiple submitters, no conflicts (2 of 4 stars). 27 submissions from 27 submitters: Pathogenic (16); Likely pathogenic (2). 9 of the submissions do not count toward it. Last evaluated 2026-07-23.

Conditions:
Fetal anomalies with a likely genetic cause.
TTC21B-related disorder. Also called: TTC21B-related disorders; TTC21B-related condition.
Jeune thoracic dystrophy. Also called: Short-rib thoracic dysplasia; Jeune syndrome; Infantile thoracic dystrophy; Thoracic pelvic phalangeal dystrophy; Jeune's syndrome; Chondroectodermal dysplasia-like syndrome. Identifiers: Orphanet 474, MedGen C0265275, MONDO:0018770.
Nephronophthisis. Also called: Juvenile Nephronophthisis. Identifiers: Orphanet 655, MedGen C0687120, MONDO:0019005, HP:0000090.
Nephrotic syndrome. Identifiers: MedGen C0027726, MONDO:0005377, HP:0000100.
Renal dysplasia and retinal aplasia (SLSN). Also called: Senior-Loken syndrome. Identifiers: Orphanet 3156, MedGen C0403553, MONDO:0017842.
Nephronophthisis 12 (NPHP12). Identifiers: Orphanet 655, MedGen C3151186, MONDO:0013442, OMIM 613820.
Asphyxiating thoracic dystrophy 4 (SRTD4). Also called: SHORT-RIB THORACIC DYSPLASIA 4 WITH OR WITHOUT POLYDACTYLY; SHORT-RIB THORACIC DYSPLASIA 4. Identifiers: Orphanet 474, MedGen C3151185, MONDO:0013441, OMIM 613819.
Infantile nephronophthisis (NPHP2). Also called: Nephronophthisis 2; Nephronophthisis 2, infantile. Identifiers: Orphanet 655, Orphanet 93591, MedGen C1865872, MONDO:0011190, OMIM 602088.
Finnish congenital nephrotic syndrome (NPHS1). Also called: NEPHROTIC SYNDROME, TYPE 1. Identifiers: Orphanet 839, MedGen C0403399, MONDO:0009732, OMIM 256300.

Allele frequency attached by ClinVar (database versions not stated): ESP Exome Variant Server 0.00015; gnomAD 0.00011; TOPMed 0.00014; gnomAD exomes 0.00007 and 0.00013; ExAC 0.00007.
gnomAD v4.1: 129 of 1,613,836 alleles (0.008%); highest among the groups gnomAD compares: Middle Eastern, 0.066%; no homozygotes.

Submissions 1 to 14 of 27:

PreventionGenetics, part of Exact Sciences
Classification: Pathogenic for TTC21B-related condition. Last evaluated: 2026-07-23. Review status: criteria provided, single submitter. Criteria: ACMG Guidelines, 2015. Collection method: clinical testing. Allele origin: germline.
Comment: The TTC21B c.626C>T variant is predicted to result in the amino acid substitution p.Pro209Leu. This variant has been reported in the homozygous and compound heterozygous states in multiple individuals with nephronophthisis or focal segmental glomerulosclerosis (FSGS) (Davis et al. 2011. PubMed ID: 21258341; Bullich et al. 2017. PubMed ID: 26940125; Cong et al. 2014. PubMed ID: 24876116). This variant is reported in 0.077% of alleles in individuals of Ashkenazi Jewish descent in gnomAD and has been interpreted in ClinVar as pathogenic/likely pathogenic by multiple submitters (Variation ID: 30935). This variant is interpreted as pathogenic.

Genetics Laboratory, Great Ormond Street Hospital NHS Foundation Trust, North Thames Genomic Laboratory Hub
Classification: Likely pathogenic for Fetal anomalies with a likely genetic cause. Last evaluated: 2026-02-18. Review status: criteria provided, single submitter. Criteria: ACGS Best Practice Guidelines for Variant Classification in Rare Disease 2024 v1.2. Collection method: clinical testing. Allele origin: germline. Affected: yes.
Comment: PM2_moderate, PP3_supporting, PS3_supporting, PM3_moderate

Dasa
Classification: Pathogenic. Last evaluated: 2026-02-01. Review status: criteria provided, single submitter. Criteria: DASA Assertion Criteria. Collection method: clinical testing. Allele origin: germline.
Comment: NM_024753.5(TTC21B):c.626C>T (p.Pro209Leu) is a missense variant that results in the substitution of proline with leucine. This variant has been recurrently observed in individuals with related phenotype (PMID: 21258341; PMID: 24876116; PMID: 32714622). Segregation evidence has been reported in affected families. Multiple computational predictions support a deleterious effect on the gene or gene product. The variant is present at low frequency in population datasets. Based on the available data, this variant is classified as pathogenic.

Labcorp Genetics (formerly Invitae), Labcorp
Classification: Pathogenic for Jeune thoracic dystrophy; Nephronophthisis. Last evaluated: 2026-01-27. Review status: criteria provided, single submitter. Criteria: Invitae Variant Classification Sherloc (09022015). Collection method: clinical testing. Allele origin: germline.
Comment: This sequence change replaces proline, which is neutral and non-polar, with leucine, which is neutral and non-polar, at codon 209 of the TTC21B protein (p.Pro209Leu). This variant is present in population databases (rs140511594, gnomAD 0.08%). This missense change has been observed in individual(s) with focal segmental glomerulosclerosis and nephronophthisis (PMID: 21258341, 24876116). In at least one individual the data is consistent with being in trans (on the opposite chromosome) from a pathogenic variant. It has also been observed to segregate with disease in related individuals. ClinVar contains an entry for this variant (Variation ID: 30935). Invitae Evidence Modeling of protein sequence and biophysical properties (such as structural, functional, and spatial information, amino acid conservation, physicochemical variation, residue mobility, and thermodynamic stability) has been performed for this missense variant. However, the output from this modeling did not meet the statistical confidence thresholds required to predict the impact of this variant on TTC21B protein function. Experimental studies have shown that this missense change affects TTC21B function (PMID: 21258341, 24876116). For these reasons, this variant has been classified as Pathogenic.

Revvity Omics, Revvity
Classification: Pathogenic. Last evaluated: 2025-03-27. Review status: criteria provided, single submitter. Criteria: ACMG Guidelines, 2015. Collection method: clinical testing. Allele origin: germline.

3billion
Classification: Pathogenic for Nephronophthisis 12. Last evaluated: 2024-09-28. Review status: criteria provided, single submitter. Criteria: ACMG Guidelines, 2015. Collection method: clinical testing. Allele origin: germline. Affected: yes.
Comment: The variant is observed at an extremely low frequency in the gnomAD v4.1.0 dataset (total allele frequency: 0.008%). Predicted Consequence/Location: Missense variant. The majority of the known disease-causing variants of this gene are variants expected to result in premature termination of the protein. Functional studies provide moderate evidence of the variant having a damaging effect on the gene or gene product (PMID: 21258341). In silico tool predictions suggest damaging effect of the variant on gene or gene product [REVEL: 0.72 (>=0.6, sensitivity 0.68 and specificity 0.92); 3Cnet: 0.10 (>=0.6, sensitivity 0.72 and precision 0.9)]. The same nucleotide change resulting in the same amino acid change has been previously reported as pathogenic/likely pathogenic with strong evidence (ClinVar ID: VCV000030935 /PMID: 21258341 /3billion dataset). Therefore, this variant is classified as Pathogenic according to the recommendation of ACMG/AMP guideline.

Blueprint Genetics
Classification: Pathogenic for TTC21B-related disorders. Last evaluated: 2024-09-15. Review status: criteria provided, single submitter. Criteria: ACMG Guidelines, 2015. Collection method: clinical testing. Allele origin: germline. Affected: yes. Observed: 5 variant alleles.

Fulgent Genetics
Classification: Pathogenic for Asphyxiating thoracic dystrophy 4; Nephronophthisis 12. Last evaluated: 2024-03-15. Review status: criteria provided, single submitter. Criteria: ACMG Guidelines, 2015. Collection method: clinical testing. Allele origin: germline.

Department of Pathology and Laboratory Medicine, Sinai Health System
Classification: Pathogenic for Nephronophthisis 12. Last evaluated: 2023-02-26. Review status: criteria provided, single submitter. Criteria: ACMG Guidelines, 2015. Collection method: research. Allele origin: germline.

Eurofins-Biomnis
Classification: Pathogenic for Nephronophthisis 12. Last evaluated: 2022-12-01. Review status: criteria provided, single submitter. Criteria: Accession Criteria ClinVar Biomnis. Collection method: clinical testing. Allele origin: biparental. Affected: yes. Observed: 1 homozygote.

GeneDx
Classification: Pathogenic. Last evaluated: 2022-04-25. Review status: criteria provided, single submitter. Criteria: GeneDx Variant Classification Process June 2021. Collection method: clinical testing. Allele origin: germline. Affected: yes.
Comment: Published functional studies demonstrate a damaging effect (Huynh Cong et al., 2014); In silico analysis supports that this missense variant has a deleterious effect on protein structure/function; This variant is associated with the following publications: (PMID: 24876116, 21258341, 29127259, 31456290, 32714622, 33599192, 34426522, 33712733, 31589614, 33226606, 33547761, 33532864, 26940125)

Laboratorio de Genetica e Diagnostico Molecular, Hospital Israelita Albert Einstein
Classification: Pathogenic. Last evaluated: 2021-05-10. Review status: criteria provided, single submitter. Criteria: ACMG Guidelines, 2015. Collection method: clinical testing. Allele origin: germline. Affected: yes.
Comment: ACMG classification criteria: PS3, PM3, PP1, PP3

Molecular Biology Laboratory, Fundació Puigvert
Classification: Likely pathogenic for Nephronophthisis 12. Last evaluated: 2020-02-01. Review status: criteria provided, single submitter. Criteria: ACMG Guidelines, 2015. Collection method: research. Allele origin: inherited. Affected: yes. Study: KidneyPanel_2020.

Center of Genomic medicine, Geneva, University Hospital of Geneva
Classification: Pathogenic for Infantile nephronophthisis. Last evaluated: 2019-01-28. Review status: criteria provided, single submitter. Criteria: ACMG Guidelines, 2015. Collection method: clinical testing. Allele origin: maternal. Affected: yes. Observed: 2 variant alleles.

NM_024753.5(TTC21B):c.626C>T (p.Pro209Leu)

Genes: TTC21B (tetratricopeptide repeat domain 21B; minus strand), TTC21B-AS1 (TTC21B antisense RNA 1; plus strand). Cytogenetic location: 2q24.3.
Variant type: single nucleotide variant.
Coding change: c.626C>T on transcript NM_024753.5 (MANE Select); coding-DNA position 626, C replaced by T.
Protein change: p.Pro209Leu; replaces proline 209 with leucine.
Molecular consequence: missense variant.
Genome position (GRCh38, 1-based): chr2:165,941,111, G>A on the plus strand (C>T on the coding strand, the complement: TTC21B is on the minus strand). VCF-style: chr2-165941111-G-A. GRCh37 (hg19) VCF-style: chr2-166797621-G-A.
Other names: short protein forms P209L.
Identifiers: ClinVar variation 30935 (VCV000030935.46), dbSNP rs140511594, ClinGen allele CA259949.
Genomic context (GRCh38, chr2:165,941,111, plus strand): 5'-TCCCAATCCTGCAAGGCTAGTTGTAATTTCATTTTCTTAACAAAAGCAGGAAGGAAGCTC[G>A]GAAAATTCACGATTATCTGGTTCACAGTCTCCAGGGCACCTGAATAATTCTGGCGCATCT-3'
Protein context (NP_079029.3, residues 199-219): ETVNQIIVNF[Pro209Leu]SFLPAFVKKM